The following is an entry in ClinVar:

ClinVar aggregate classification (germline): Likely pathogenic (1 of 4 stars; one submission).

Conditions:
Hypertrophic cardiomyopathy. Also called: HYPERTROPHIC MYOCARDIOPATHY. Identifiers: Orphanet 217569, MedGen C0007194, MeSH D002312, MONDO:0005045, HP:0001639.

Submission:

Labcorp Genetics (formerly Invitae), Labcorp
Classification: Likely pathogenic for Hypertrophic cardiomyopathy. Last evaluated: 2023-08-04. Review status: criteria provided, single submitter. Criteria: Invitae Variant Classification Sherloc (09022015). Collection method: clinical testing. Allele origin: germline.
Comment: In summary, the currently available evidence indicates that the variant is pathogenic, but additional data are needed to prove that conclusively. Therefore, this variant has been classified as Likely Pathogenic. An algorithm developed to predict the effect of missense changes on protein structure and function (PolyPhen-2) suggests that this variant is likely to be disruptive. This missense change has been observed in individual(s) with cardiomyopathy (Invitae). In at least one individual the variant was observed to be de novo. This variant is not present in population databases (gnomAD no frequency). This sequence change replaces glutamic acid, which is acidic and polar, with lysine, which is basic and polar, at codon 145 of the TPM1 protein (p.Glu145Lys).

NM_001018005.2(TPM1):c.433G>A (p.Glu145Lys)

Gene: TPM1 (tropomyosin 1; plus strand). Cytogenetic location: 15q22.2.
Variant type: single nucleotide variant.
Coding change: c.433G>A on transcript NM_001018005.2 (MANE Select); coding-DNA position 433, G replaced by A.
Protein change: p.Glu145Lys; replaces glutamic acid 145 with lysine.
Molecular consequence: missense variant. On other transcripts: non-coding transcript variant (17).
Genome position (GRCh38, 1-based): chr15:63,059,621, G>A. VCF-style: chr15-63059621-G-A. GRCh37 (hg19) VCF-style: chr15-63351820-G-A.
Other names: c.325G>A, p.Glu109Lys (NM_001365781.2, NM_001365782.1, NM_001301289.2 and 9 more transcripts); c.559G>A, p.Glu187Lys (NM_001407322.1, NM_001407323.1, NM_001407324.1 and 1 more transcripts); c.433G>A, p.Glu145Lys (NM_001407325.1, NM_001407326.1, NM_001407327.1 and 20 more transcripts); short protein forms E187K, E109K, E145K.
Identifiers: ClinVar variation 2833135 (VCV002833135.3), dbSNP rs2140937964, ClinGen allele CA392722205.